The following is an entry in ClinVar:

NM_004606.5(TAF1):c.760T>G (p.Ser254Ala)

Gene: TAF1 (TATA-box binding protein associated factor 1; plus strand). Cytogenetic location: Xq13.1.
Variant type: single nucleotide variant.
Coding change: c.760T>G on transcript NM_004606.5 (MANE Select); coding-DNA position 760, T replaced by G.
Protein change: p.Ser254Ala; replaces serine 254 with alanine.
Molecular consequence: missense variant. On other transcripts: non-coding transcript variant (9).
Genome position (GRCh38, 1-based): chrX:71,377,648, T>G. VCF-style: chrX-71377648-T-G. GRCh37 (hg19) VCF-style: chrX-70597498-T-G.
Other names: c.760T>G, p.Ser254Ala (NM_001286074.2, NM_001440852.1, NM_001440853.1); c.697T>G, p.Ser233Ala (NM_001440854.1, NM_138923.4); short protein forms S233A, S254A.
Identifiers: ClinVar variation 4882405 (VCV004882405.2).
Genomic context (GRCh38, chrX:71,377,648, plus strand): 5'-TATTCTGTGTTCTAGGTGTTACGTTTTCTACGTCTTTTTGGACCAGGGAAGAATGTCCCA[T>G]CTGTTTGGCGGAGTGCTCGGAGAAAGAGGAAGAAGAAGCACCGTGAGCTGATACAGGAAG-3'
Protein context (NP_004597.3, residues 244-264): RLFGPGKNVP[Ser254Ala]VWRSARRKRK

ClinVar aggregate classification (germline): Uncertain significance (1 of 4 stars; one submission).

Submission:

Dasa
Classification: Uncertain significance. Last evaluated: 2024-12-06. Review status: criteria provided, single submitter. Criteria: DASA Assertion Criteria. Collection method: clinical testing. Allele origin: germline.
Comment: NM_004606.5(TAF1):c.760T>G (p.Ser254Ala) is a missense variant that results in the substitution of serine with alanine. This variant is absent from population databases. Computational prediction algorithms are consistent with a benign effect. The currently available literature and clinical evidence are not sufficient to establish a definitive association between this variant and the reported condition. Therefore, this variant is classified as a variant of uncertain significance.